The following is an entry in ClinVar:

ClinVar aggregate classification (germline): Likely benign (1 of 4 stars; one submission).

Submission:

CeGaT Center for Human Genetics Tuebingen
Classification: Likely benign. Last evaluated: 2023-01-01. Review status: criteria provided, single submitter. Criteria: CeGaT Center For Human Genetics Tuebingen Variant Classification Criteria Version 2. Collection method: clinical testing. Allele origin: germline. Affected: yes. Observed: 1 variant allele.
Comment: CC2D2A: PM2:Supporting, BP4, BP7

NM_001378615.1(CC2D2A):c.123+476T>C

Genes: CC2D2A (coiled-coil and C2 domain containing 2A; plus strand), FBXL5 (F-box and leucine rich repeat protein 5; minus strand). Cytogenetic location: 4p15.32.
Variant type: single nucleotide variant.
Coding change: c.123+476T>C on transcript NM_001378615.1 (MANE Select); 476 bases into the intron after coding-DNA position 123, T replaced by C.
Molecular consequence: intron variant. On other transcripts: 5 prime UTR variant (1), synonymous variant (1).
Genome position (GRCh38, 1-based): chr4:15,479,282, T>C. VCF-style: chr4-15479282-T-C. GRCh37 (hg19) VCF-style: chr4-15480906-T-C.
Other names: c.-71T>C (NM_001378617.1); c.183T>C, p.Val61= (NM_020785.2); c.123+476T>C (NM_001080522.2, NM_001164720.3).
Identifiers: ClinVar variation 2654680 (VCV002654680.24), dbSNP rs2474825790, ClinGen allele CA2695199368.